The following is an entry in ClinVar:

NM_001371623.1(TCOF1):c.2018C>A (p.Thr673Asn)

Gene: TCOF1 (treacle ribosome biogenesis factor 1; plus strand). Cytogenetic location: 5q32.
Variant type: single nucleotide variant.
Coding change: c.2018C>A on transcript NM_001371623.1 (MANE Select); coding-DNA position 2018, C replaced by A.
Protein change: p.Thr673Asn; replaces threonine 673 with asparagine.
Molecular consequence: missense variant.
Genome position (GRCh38, 1-based): chr5:150,376,206, C>A. VCF-style: chr5-150376206-C-A. GRCh37 (hg19) VCF-style: chr5-149755769-C-A.
Other names: c.1787C>A, p.Thr596Asn (NM_000356.4, NM_001135245.2); c.2018C>A, p.Thr673Asn (NM_001008657.3, NM_001135243.2, NM_001135244.2 and 1 more transcripts); short protein forms T596N, T673N.
Identifiers: ClinVar variation 2734279 (VCV002734279.3), dbSNP rs747266759, ClinGen allele CA3511082.

ClinVar aggregate classification (germline): Uncertain significance (1 of 4 stars; one submission).

Conditions:
Treacher Collins syndrome 1 (TCS1). Also called: TCOF1-Related Treacher Collins Syndrome. Identifiers: Orphanet 861, MedGen CN315775, MONDO:0007944, OMIM 154500.

Allele frequency attached by ClinVar (database versions not stated): TOPMed 0.00001.
gnomAD v4.1: 32 of 1,614,234 alleles (0.002%); highest among the groups gnomAD compares: Non-Finnish European, 0.0026%; no homozygotes.

Submission:

Labcorp Genetics (formerly Invitae), Labcorp
Classification: Uncertain significance for Treacher Collins syndrome 1. Last evaluated: 2023-11-24. Review status: criteria provided, single submitter. Criteria: Invitae Variant Classification Sherloc (09022015). Collection method: clinical testing. Allele origin: germline.
Comment: This sequence change replaces threonine, which is neutral and polar, with asparagine, which is neutral and polar, at codon 673 of the TCOF1 protein (p.Thr673Asn). This variant is present in population databases (rs747266759, gnomAD 0.002%). This variant has not been reported in the literature in individuals affected with TCOF1-related conditions. Advanced modeling of protein sequence and biophysical properties (such as structural, functional, and spatial information, amino acid conservation, physicochemical variation, residue mobility, and thermodynamic stability) performed at Invitae indicates that this missense variant is not expected to disrupt TCOF1 protein function with a negative predictive value of 80%. In summary, the available evidence is currently insufficient to determine the role of this variant in disease. Therefore, it has been classified as a Variant of Uncertain Significance.